The following is an entry in ClinVar:

NM_000275.3(OCA2):c.1261C>T (p.Arg421Trp)

Gene: OCA2 (OCA2 melanosomal transmembrane protein; minus strand). Cytogenetic location: 15q13.1.
Variant type: single nucleotide variant.
Coding change: c.1261C>T on transcript NM_000275.3 (MANE Select); coding-DNA position 1261, C replaced by T.
Protein change: p.Arg421Trp; replaces arginine 421 with tryptophan.
Molecular consequence: missense variant.
Genome position (GRCh38, 1-based): chr15:27,985,167, G>A on the plus strand (C>T on the coding strand, the complement: OCA2 is on the minus strand). VCF-style: chr15-27985167-G-A. GRCh37 (hg19) VCF-style: chr15-28230313-G-A.
Other names: c.1189C>T, p.Arg397Trp (NM_001300984.2); short protein forms R397W, R421W.
Identifiers: ClinVar variation 887143 (VCV000887143.7), dbSNP rs372899234, ClinGen allele CA7439102.

ClinVar aggregate classification (germline): Uncertain significance. Review status: criteria provided, multiple submitters, no conflicts (2 of 4 stars). 4 submissions from 4 submitters: Uncertain significance (4). Last evaluated 2022-08-23.

Conditions:
Tyrosinase-positive oculocutaneous albinism (OCA2). Also called: Albinism, oculocutaneous, type II; ALBINISM II; Oculocutaneous albinism type 2. Identifiers: Orphanet 79432, MedGen C0268495, MONDO:0008746, OMIM 203200.
SKIN/HAIR/EYE PIGMENTATION 1, BLUE/NONBLUE EYES (SHEP1). Also called: HAIR COLOR 3; BROWN EYE COLOR 2; SKIN/HAIR/EYE PIGMENTATION 1, BLOND/BROWN HAIR; SKIN/HAIR/EYE PIGMENTATION 1, BLUE/BROWN EYES; EYE COLOR 3; EYE COLOR, BLUE/NONBLUE. Identifiers: MedGen C1856895, OMIM 227220.

Allele frequency attached by ClinVar (database versions not stated): gnomAD 0.00005 and 0.00006; TOPMed 0.00006; gnomAD exomes 0.00007 and 0.00009; ESP Exome Variant Server 0.00008; ExAC 0.00009; 1000 Genomes Project 30x 0.00016; 1000 Genomes Project 0.00020.
gnomAD v4.1: 146 of 1,613,778 alleles (0.009%); highest among the groups gnomAD compares: South Asian, 0.034%; no homozygotes.

Submissions (4):

Blueprint Genetics
Classification: Uncertain significance. Last evaluated: 2022-08-23. Review status: criteria provided, single submitter. Criteria: ACMG Guidelines, 2015. Collection method: clinical testing. Allele origin: germline.

Labcorp Genetics (formerly Invitae), Labcorp
Classification: Uncertain significance. Last evaluated: 2022-07-20. Review status: criteria provided, single submitter. Criteria: Invitae Variant Classification Sherloc (09022015). Collection method: clinical testing. Allele origin: germline.
Comment: This sequence change replaces arginine, which is basic and polar, with tryptophan, which is neutral and slightly polar, at codon 421 of the OCA2 protein (p.Arg421Trp). This variant is present in population databases (rs372899234, gnomAD 0.03%). This variant has not been reported in the literature in individuals affected with OCA2-related conditions. ClinVar contains an entry for this variant (Variation ID: 887143). Algorithms developed to predict the effect of missense changes on protein structure and function are either unavailable or do not agree on the potential impact of this missense change (SIFT: "Deleterious"; PolyPhen-2: "Probably Damaging"; Align-GVGD: "Class C0"). This variant disrupts the p.Arg421 amino acid residue in OCA2. Other variant(s) that disrupt this residue have been observed in individuals with OCA2-related conditions (PMID: 29345414, 31077556), which suggests that this may be a clinically significant amino acid residue. In summary, the available evidence is currently insufficient to determine the role of this variant in disease. Therefore, it has been classified as a Variant of Uncertain Significance.

Fulgent Genetics
Classification: Uncertain significance for Tyrosinase-positive oculocutaneous albinism; SKIN/HAIR/EYE PIGMENTATION 1, BLUE/NONBLUE EYES. Last evaluated: 2021-07-27. Review status: criteria provided, single submitter. Criteria: ACMG Guidelines, 2015. Collection method: clinical testing. Allele origin: unknown.

Illumina Laboratory Services, Illumina
Classification: Uncertain significance for Tyrosinase-positive oculocutaneous albinism. Last evaluated: 2018-01-12. Review status: criteria provided, single submitter. Criteria: ICSL Variant Classification Criteria 13 December 2019. Collection method: clinical testing. Allele origin: germline.

Literature cited by the submitters: PubMed 29345414 (cited by Labcorp Genetics (formerly Invitae), Labcorp); PubMed 31077556 (cited by Labcorp Genetics (formerly Invitae), Labcorp).